The following is an entry in ClinVar:

NM_000152.5(GAA):c.2554G>T (p.Glu852Ter)

Gene: GAA (alpha glucosidase; plus strand). Cytogenetic location: 17q25.3.
Variant type: single nucleotide variant.
Coding change: c.2554G>T on transcript NM_000152.5 (MANE Select); coding-DNA position 2554, G replaced by T.
Protein change: p.Glu852Ter; replaces glutamic acid 852 with a stop codon.
Molecular consequence: nonsense.
Genome position (GRCh38, 1-based): chr17:80,118,265, G>T. VCF-style: chr17-80118265-G-T. GRCh37 (hg19) VCF-style: chr17-78092064-G-T.
Other names: c.2554G>T, p.Glu852Ter (NM_001079803.3, NM_001079804.3, NM_001406741.1 and 1 more transcripts); short protein forms E852*.
Identifiers: ClinVar variation 2701302 (VCV002701302.3), dbSNP rs2510402647, ClinGen allele CA401326167.

ClinVar aggregate classification (germline): Pathogenic (1 of 4 stars; one submission).

Conditions:
Glycogen storage disease, type II (IOPD). Also called: ACID ALPHA-GLUCOSIDASE DEFICIENCY, INFANTILE-ONSET; GAA DEFICIENCY, INFANTILE-ONSET; ACID MALTASE DEFICIENCY, INFANTILE-ONSET; GLYCOGENOSIS, GENERALIZED, CARDIAC FORM; GSD II; Glycogen storage disease type 2. Identifiers: Orphanet 365, MedGen C0017921, MONDO:0009290, OMIM 232300.

Submission:

Labcorp Genetics (formerly Invitae), Labcorp
Classification: Pathogenic for Glycogen storage disease, type II. Last evaluated: 2023-12-06. Review status: criteria provided, single submitter. Criteria: Invitae Variant Classification Sherloc (09022015). Collection method: clinical testing. Allele origin: germline.
Comment: This sequence change creates a premature translational stop signal (p.Glu852*) in the GAA gene. It is expected to result in an absent or disrupted protein product. Loss-of-function variants in GAA are known to be pathogenic (PMID: 18425781, 22252923). This variant is not present in population databases (gnomAD no frequency). This variant has not been reported in the literature in individuals affected with GAA-related conditions. For these reasons, this variant has been classified as Pathogenic.

Literature cited by the submitters: PubMed 18425781; PubMed 22252923.